The following is an entry in ClinVar:

NM_000260.4(MYO7A):c.3109-27G>A

Gene: MYO7A (myosin VIIA; plus strand). Cytogenetic location: 11q13.5.
Variant type: single nucleotide variant.
Coding change: c.3109-27G>A on transcript NM_000260.4 (MANE Select); 27 bases into the intron before coding-DNA position 3109, G replaced by A.
Molecular consequence: intron variant.
Genome position (GRCh38, 1-based): chr11:77,182,397, G>A. VCF-style: chr11-77182397-G-A. GRCh37 (hg19) VCF-style: chr11-76893442-G-A.
Other names: c.3076-27G>A (NM_001369365.1); c.3109-27G>A (NM_001127180.2, NM_000260.3).
Identifiers: ClinVar variation 4913235 (VCV004913235.2).

ClinVar aggregate classification (germline): Likely benign. Review status: criteria provided, multiple submitters, no conflicts (2 of 4 stars). 2 submissions from 2 submitters: Likely benign (2). Last evaluated 2024-12-18.

Conditions:
MYO7A-related disorder. Also called: MYO7A-related disorders.

gnomAD v4.1: 113 of 1,597,982 alleles (0.0071%); highest among the groups gnomAD compares: Middle Eastern, 0.036%; no homozygotes.

Submissions (2):

PreventionGenetics, part of Exact Sciences
Classification: Likely benign for MYO7A-related condition. Last evaluated: 2024-12-18. Review status: criteria provided, single submitter. Criteria: ACMG Guidelines, 2015. Collection method: clinical testing. Allele origin: germline.
Comment: This variant is classified as likely benign based on ACMG/AMP sequence variant interpretation guidelines (Richards et al. 2015 PMID: 25741868, with internal and published modifications).

Blueprint Genetics
Classification: Likely benign. Last evaluated: 2024-09-23. Review status: criteria provided, single submitter. Criteria: ACMG Guidelines, 2015. Collection method: clinical testing. Allele origin: germline.